The following is an entry in ClinVar:

ClinVar aggregate classification (germline): Uncertain significance (1 of 4 stars; one submission).

Allele frequency attached by ClinVar (database versions not stated): gnomAD 0.00002; TOPMed 0.00002; ExAC 0.00003; gnomAD exomes 0.00003.

Submission:

Labcorp Genetics (formerly Invitae), Labcorp
Classification: Uncertain significance. Last evaluated: 2023-04-17. Review status: criteria provided, single submitter. Criteria: Invitae Variant Classification Sherloc (09022015). Collection method: clinical testing. Allele origin: germline.
Comment: In summary, the available evidence is currently insufficient to determine the role of this variant in disease. Therefore, it has been classified as a Variant of Uncertain Significance. Advanced modeling of protein sequence and biophysical properties (such as structural, functional, and spatial information, amino acid conservation, physicochemical variation, residue mobility, and thermodynamic stability) performed at Invitae indicates that this missense variant is expected to disrupt TBX18 protein function. This variant has not been reported in the literature in individuals affected with TBX18-related conditions. This variant is present in population databases (rs545884149, gnomAD 0.005%). This sequence change replaces methionine, which is neutral and non-polar, with threonine, which is neutral and polar, at codon 172 of the TBX18 protein (p.Met172Thr).

NM_001080508.3(TBX18):c.515T>C (p.Met172Thr)

Gene: TBX18 (T-box transcription factor 18; minus strand). Cytogenetic location: 6q14.3.
Variant type: single nucleotide variant.
Coding change: c.515T>C on transcript NM_001080508.3 (MANE Select); coding-DNA position 515, T replaced by C.
Protein change: p.Met172Thr; replaces methionine 172 with threonine.
Molecular consequence: missense variant.
Genome position (GRCh38, 1-based): chr6:84,760,339, A>G on the plus strand (T>C on the coding strand, the complement: TBX18 is on the minus strand). VCF-style: chr6-84760339-A-G. GRCh37 (hg19) VCF-style: chr6-85470057-A-G.
Other names: short protein forms M172T.
Identifiers: ClinVar variation 2964334 (VCV002964334.3), dbSNP rs545884149, ClinGen allele CA3911069.